The following is an entry in ClinVar:

NM_001369.3(DNAH5):c.3415G>C (p.Asp1139His)

Genes: DNAH5 (dynein axonemal heavy chain 5; minus strand), DNAH5-AS1 (DNAH5 antisense RNA 1; plus strand). Cytogenetic location: 5p15.2.
Variant type: single nucleotide variant.
Coding change: c.3415G>C on transcript NM_001369.3 (MANE Select); coding-DNA position 3415, G replaced by C.
Protein change: p.Asp1139His; replaces aspartic acid 1139 with histidine.
Molecular consequence: missense variant.
Genome position (GRCh38, 1-based): chr5:13,871,747, C>G on the plus strand (G>C on the coding strand, the complement: DNAH5 is on the minus strand). VCF-style: chr5-13871747-C-G. GRCh37 (hg19) VCF-style: chr5-13871856-C-G.
Other names: short protein forms D1139H.
Identifiers: ClinVar variation 454764 (VCV000454764.17), dbSNP rs1554085372, ClinGen allele CA359233389.

ClinVar aggregate classification (germline): Conflicting classifications of pathogenicity. Review status: criteria provided, conflicting classifications (1 of 4 stars). 5 submissions from 5 submitters: Pathogenic (1); Likely pathogenic (2); Uncertain significance (1). 1 of the submissions does not count toward it. Last evaluated 2025-07-10.

Conditions:
Primary ciliary dyskinesia 3. Identifiers: Orphanet 244, MedGen C1837618, MONDO:0012085, OMIM 608644.
Primary ciliary dyskinesia. Also called: Ciliary dyskinesia. Identifiers: Orphanet 244, MedGen C0008780, MONDO:0016575, HP:0012265.

gnomAD v4.1: 2 of 1,613,542 alleles (0.00012%); highest among the groups gnomAD compares: East Asian, 0.0022%; no homozygotes.

Submissions (5):

Women's Health and Genetics/Laboratory Corporation of America, LabCorp
Classification: Likely pathogenic for Primary ciliary dyskinesia 3. Last evaluated: 2025-07-10. Review status: criteria provided, single submitter. Criteria: LabCorp Variant Classification Summary - May 2015. Collection method: clinical testing. Allele origin: germline.
Comment: Variant summary: DNAH5 c.3415G>C (p.Asp1139His) results in a non-conservative amino acid change in the encoded protein sequence. Algorithms developed to predict the effect of missense changes on protein structure and function are either unavailable or do not agree on the potential impact of this missense change. The variant was absent in 250752 control chromosomes. c.3415G>C has been observed in individual(s) affected with Primary ciliary dyskinesia 3 (LCG internal data). These data indicate that the variant is likely to be associated with disease. To our knowledge, no experimental evidence demonstrating an impact on protein function has been reported. ClinVar contains an entry for this variant (Variation ID: 454764). Based on the evidence outlined above, the variant was classified as likely pathogenic.

Fulgent Genetics
Classification: Likely pathogenic for Primary ciliary dyskinesia 3. Last evaluated: 2024-03-25. Review status: criteria provided, single submitter. Criteria: ACMG Guidelines, 2015. Collection method: clinical testing. Allele origin: germline.

Labcorp Genetics (formerly Invitae), Labcorp
Classification: Pathogenic for Primary ciliary dyskinesia. Last evaluated: 2023-03-08. Review status: criteria provided, single submitter. Criteria: Invitae Variant Classification Sherloc (09022015). Collection method: clinical testing. Allele origin: germline.
Comment: This variant is not present in population databases (gnomAD no frequency). This sequence change replaces aspartic acid, which is acidic and polar, with histidine, which is basic and polar, at codon 1139 of the DNAH5 protein (p.Asp1139His). This missense change has been observed in individual(s) with clinical features of primary ciliary dyskinesia (Invitae). In at least one individual the data is consistent with being in trans (on the opposite chromosome) from a pathogenic variant. For these reasons, this variant has been classified as Pathogenic. Algorithms developed to predict the effect of sequence changes on RNA splicing suggest that this variant may disrupt the consensus splice site. Advanced modeling of protein sequence and biophysical properties (such as structural, functional, and spatial information, amino acid conservation, physicochemical variation, residue mobility, and thermodynamic stability) performed at Invitae indicates that this missense variant is not expected to disrupt DNAH5 protein function. ClinVar contains an entry for this variant (Variation ID: 454764).

Ambry Genetics
Classification: Uncertain significance for Primary ciliary dyskinesia. Last evaluated: 2019-06-19. Review status: criteria provided, single submitter. Criteria: Ambry Variant Classification Scheme 2023. Collection method: clinical testing. Allele origin: germline.
Comment: The p.D1139H variant (also known as c.3415G>C), located in coding exon 23 of the DNAH5 gene, results from a G to C substitution at nucleotide position 3415. The aspartic acid at codon 1139 is replaced by histidine, an amino acid with similar properties. This amino acid position is not well conserved in available vertebrate species. In addition, this alteration is predicted to be tolerated by in silico analysis. Since supporting evidence is limited at this time, the clinical significance of this alteration remains unclear.

Natera, Inc.
Classification: Uncertain significance for Primary ciliary dyskinesia. Last evaluated: 2021-02-03. Review status: no assertion criteria provided. Collection method: clinical testing. Allele origin: germline. Not counted in ClinVar's aggregate classification.